The following is an entry in ClinVar:

ClinVar aggregate classification (germline): Likely benign (1 of 4 stars; one submission).

Allele frequency attached by ClinVar (database versions not stated): gnomAD exomes 0.00009; ExAC 0.00029; ESP Exome Variant Server 0.00075; gnomAD 0.00092; TOPMed 0.00106; 1000 Genomes Project 0.00240; 1000 Genomes Project 30x 0.00297.
gnomAD v4.1: 283 of 1,613,062 alleles (0.018%); highest among the groups gnomAD compares: African/African-American, 0.32%; 3 homozygotes.

Submission:

CeGaT Center for Human Genetics Tuebingen
Classification: Likely benign. Last evaluated: 2023-04-01. Review status: criteria provided, single submitter. Criteria: CeGaT Center For Human Genetics Tuebingen Variant Classification Criteria Version 2. Collection method: clinical testing. Allele origin: germline. Affected: yes. Observed: 1 variant allele.
Comment: SVEP1: BS2

NM_153366.4(SVEP1):c.3773C>T (p.Pro1258Leu)

Gene: SVEP1 (sushi, von Willebrand factor type A, EGF and pentraxin domain containing 1; minus strand). Cytogenetic location: 9q31.3.
Variant type: single nucleotide variant.
Coding change: c.3773C>T on transcript NM_153366.4 (MANE Select); coding-DNA position 3773, C replaced by T.
Protein change: p.Pro1258Leu; replaces proline 1258 with leucine.
Molecular consequence: missense variant.
Genome position (GRCh38, 1-based): chr9:110,455,604, G>A on the plus strand (C>T on the coding strand, the complement: SVEP1 is on the minus strand). VCF-style: chr9-110455604-G-A. GRCh37 (hg19) VCF-style: chr9-113217884-G-A.
Other names: short protein forms P1258L.
Identifiers: ClinVar variation 2659418 (VCV002659418.24), dbSNP rs77703943, ClinGen allele CA5182913.